The following is an entry in ClinVar:

NM_000059.4(BRCA2):c.7762A>G (p.Ile2588Val)

Gene: BRCA2 (BRCA2 DNA repair associated; plus strand). Cytogenetic location: 13q13.1.
Variant type: single nucleotide variant.
Coding change: c.7762A>G on transcript NM_000059.4 (MANE Select); coding-DNA position 7762, A replaced by G.
Protein change: p.Ile2588Val; replaces isoleucine 2588 with valine.
Molecular consequence: missense variant. On other transcripts: non-coding transcript variant (1).
Genome position (GRCh38, 1-based): chr13:32,357,886, A>G. VCF-style: chr13-32357886-A-G. GRCh37 (hg19) VCF-style: chr13-32932023-A-G.
Other names: NP_000050.3:p.Ile2588Val; c.7666A>G, p.Ile2556Val (NM_001406719.1); c.7762A>G, p.Ile2588Val (NM_001406720.1, NM_001432077.1); c.2830A>G, p.Ile944Val (NM_001406721.1); c.1345A>G, p.Ile449Val (NM_001406722.1); short protein forms I2588V, I2556V, I449V, I944V.
Identifiers: ClinVar variation 1325638 (VCV001325638.7), dbSNP rs2137567485, ClinGen allele CA387745862.

ClinVar aggregate classification (germline): Conflicting classifications of pathogenicity. Review status: criteria provided, conflicting classifications (1 of 4 stars). 3 submissions from 3 submitters: Uncertain significance (1); Likely benign (2). Last evaluated 2026-07-15.

Conditions:
Hereditary cancer-predisposing syndrome. Also called: Hereditary Cancer Syndrome; Neoplastic Syndromes, Hereditary; Hereditary neoplastic syndrome; Tumor predisposition. Identifiers: Orphanet 140162, MedGen C0027672, MeSH D009386, MONDO:0015356.
Hereditary breast ovarian cancer syndrome. Also called: Breast and ovarian cancer; Hereditary breast and ovarian cancer syndrome; Hereditary breast and ovarian cancer syndrome (HBOC); Hereditary breast and ovarian cancer; Hereditary breast and/or ovarian cancer syndrome; BRCA1- and BRCA2-Associated Hereditary Breast and Ovarian Cancer. Identifiers: Orphanet 145, MedGen C0677776, MeSH D061325, MONDO:0003582. Disease mechanism: loss of function.

gnomAD v4.1: 1 of 1,614,118 alleles (0.000062%); highest among the groups gnomAD compares: African/African-American, 0.0013%; no homozygotes.

Submissions (3):

Ambry Genetics
Classification: Likely benign for Hereditary cancer-predisposing syndrome. Last evaluated: 2026-07-15. Review status: criteria provided, single submitter. Criteria: Ambry Variant Classification Scheme 2023. Collection method: clinical testing. Allele origin: germline.

Labcorp Genetics (formerly Invitae), Labcorp
Classification: Uncertain significance for Hereditary breast ovarian cancer syndrome. Last evaluated: 2022-06-30. Review status: criteria provided, single submitter. Criteria: Invitae Variant Classification Sherloc (09022015). Collection method: clinical testing. Allele origin: germline.
Comment: In summary, the available evidence is currently insufficient to determine the role of this variant in disease. Therefore, it has been classified as a Variant of Uncertain Significance. Advanced modeling of protein sequence and biophysical properties (such as structural, functional, and spatial information, amino acid conservation, physicochemical variation, residue mobility, and thermodynamic stability) performed at Invitae indicates that this missense variant is not expected to disrupt BRCA2 protein function. This variant has not been reported in the literature in individuals affected with BRCA2-related conditions. This variant is not present in population databases (gnomAD no frequency). This sequence change replaces isoleucine, which is neutral and non-polar, with valine, which is neutral and non-polar, at codon 2588 of the BRCA2 protein (p.Ile2588Val).

National Health Laboratory Service, Universitas Academic Hospital and University of the Free State
Classification: Likely benign for Hereditary breast ovarian cancer syndrome. Last evaluated: 2021-11-16. Review status: criteria provided, single submitter. Criteria: ACMG Guidelines, 2015. Collection method: clinical testing. Allele origin: germline. Affected: yes. Observed: 4 variant alleles.

Literature cited by the submitters: DOI 10.3389/fgene.2022.834265 (cited by National Health Laboratory Service, Universitas Academic Hospital and University of the Free State).